The following is an entry in ClinVar:

ClinVar aggregate classification (germline): Uncertain significance (1 of 4 stars; one submission).

Conditions:
Immunodeficiency 14 (IMD14A). Also called: p110-DELTA-ACTIVATING MUTATION CAUSING SENESCENT T CELLS, LYMPHADENOPATHY, AND IMMUNODEFICIENCY; ACTIVATED PI3K-DELTA SYNDROME 1; Activated PI3K Delta Syndrome Type 1 (APDS1); IMMUNODEFICIENCY 14A WITH LYMPHOPROLIFERATION, AUTOSOMAL DOMINANT. Identifiers: Orphanet 397596, Orphanet 693661, MedGen C5907821, MONDO:0014222, OMIM 615513.

Submission:

Labcorp Genetics (formerly Invitae), Labcorp
Classification: Uncertain significance for Activated PI3K-delta syndrome. Last evaluated: 2026-01-27. Review status: criteria provided, single submitter. Criteria: Invitae Variant Classification Sherloc (09022015). Collection method: clinical testing. Allele origin: germline.
Comment: This sequence change replaces alanine, which is neutral and non-polar, with valine, which is neutral and non-polar, at codon 218 of the PIK3CD protein (p.Ala218Val). This variant is not present in population databases (gnomAD no frequency). This variant has not been reported in the literature in individuals affected with PIK3CD-related conditions. Invitae Evidence Modeling of protein sequence and biophysical properties (such as structural, functional, and spatial information, amino acid conservation, physicochemical variation, residue mobility, and thermodynamic stability) indicates that this missense variant is not expected to disrupt PIK3CD protein function with a negative predictive value of 80%. In summary, the available evidence is currently insufficient to determine the role of this variant in disease. Therefore, it has been classified as a Variant of Uncertain Significance.

NM_005026.5(PIK3CD):c.653C>T (p.Ala218Val)

Gene: PIK3CD (phosphatidylinositol-4,5-bisphosphate 3-kinase catalytic subunit delta; plus strand). Cytogenetic location: 1p36.22.
Variant type: single nucleotide variant.
Coding change: c.653C>T on transcript NM_005026.5 (MANE Select); coding-DNA position 653, C replaced by T.
Protein change: p.Ala218Val; replaces alanine 218 with valine.
Molecular consequence: missense variant.
Genome position (GRCh38, 1-based): chr1:9,716,492, C>T. VCF-style: chr1-9716492-C-T. GRCh37 (hg19) VCF-style: chr1-9776550-C-T.
Other names: c.653C>T, p.Ala218Val (NM_001350234.2, NM_001350235.1, NM_001437546.1 and 3 more transcripts); short protein forms A218V.
Identifiers: ClinVar variation 4805295 (VCV004805295.1).